The following is an entry in ClinVar:

ClinVar aggregate classification (germline): Uncertain significance (1 of 4 stars; one submission).

Conditions:
Wiskott-Aldrich syndrome 2 (WAS2). Also called: WIPF1 DEFICIENCY. Identifiers: Orphanet 906, MedGen C3281001, MONDO:0013779, OMIM 614493.

Allele frequency attached by ClinVar (database versions not stated): TOPMed below 0.00001; gnomAD 0.00001; gnomAD exomes 0.00001.

Submission:

Labcorp Genetics (formerly Invitae), Labcorp
Classification: Uncertain significance for Wiskott-Aldrich syndrome 2. Last evaluated: 2022-07-05. Review status: criteria provided, single submitter. Criteria: Invitae Variant Classification Sherloc (09022015). Collection method: clinical testing. Allele origin: germline.
Comment: In summary, the available evidence is currently insufficient to determine the role of this variant in disease. Therefore, it has been classified as a Variant of Uncertain Significance. Experimental studies and prediction algorithms are not available or were not evaluated, and the functional significance of this variant is currently unknown. This variant has not been reported in the literature in individuals affected with WIPF1-related conditions. This variant is not present in population databases (gnomAD no frequency). This variant, c.217_219dup, results in the insertion of 1 amino acid(s) of the WIPF1 protein (p.Gly73dup), but otherwise preserves the integrity of the reading frame.

NM_001375834.1(WIPF1):c.217_219dup (p.Gly73_Phe74insGly)

Genes: WIPF1 (WAS/WASL interacting protein family member 1; minus strand), WIPF1-AS1 (WIPF1 and CHRNA1 antisense RNA 1; plus strand). Cytogenetic location: 2q31.1.
Variant type: Duplication.
Coding change: c.217_219dup on transcript NM_001375834.1 (MANE Select); coding-DNA positions 217 to 219, 3 bases duplicated (GGC; older notation c.217_219dupGGC).
Protein change: p.Gly73_Phe74insGly.
Molecular consequence: inframe insertion. On other transcripts: intron variant (1).
Genome position (GRCh38, 1-based): chr2:174,575,343-174,575,345, GCC duplicated on the plus strand (GGC on the coding strand, the reverse complement: WIPF1 is on the minus strand). VCF-style (leftmost placement, unchanged base first): chr2-174575342-A-AGCC. GRCh37 (hg19) VCF-style: chr2-175440070-A-AGCC.
Other names: c.217_219dup, p.Gly73_Phe74insGly (NM_001077269.1, NM_001375832.1, NM_001375833.1 and 5 more transcripts); c.182-3100_182-3098dup (NM_001375839.1).
Identifiers: ClinVar variation 2060593 (VCV002060593.2), dbSNP rs1685017829, ClinGen allele CA1039439376.